The following is an entry in ClinVar:

ClinVar aggregate classification (germline): Pathogenic (0 of 4 stars; one submission).

Conditions:
Steinert myotonic dystrophy syndrome (DM1). Also called: STEINERT DISEASE; Myotonic dystrophy type 1; Dystrophia myotonica type 1; Steinert myotonic dystrophy; Steinert's disease. Identifiers: Orphanet 273, MedGen C3250443, MONDO:0008056, OMIM 160900.

Submission:

Institute of Molecular, Cell and Systems Biology, University of Glasgow
Classification: Pathogenic for Steinert myotonic dystrophy syndrome. Review status: no assertion criteria provided. Criteria: research. Collection method: research. Allele origin: germline. Inheritance: Autosomal dominant inheritance. Affected: yes. Observed: 1 heterozygote.
Comment: DMPK CTG repeat expansions greater than approximately 45-50 repeats are assumed to be pathogenic

This record is based on data published in PubMed 25052313, which reports only ClinVar accessions SCV000120188 and SCV000120189. The complete data set includes SCV000207445 - SCV000207579.

Literature cited by the submitters: PubMed 1346923; PubMed 1546326; PubMed 25052313.

NM_004409.5(DMPK):c.*224CTG[197]

Genes: DM1-AS (DM1 locus antisense RNA; plus strand), DMPK (DM1 protein kinase; minus strand), LOC107075317 (origin of replication in DMPK trinucleotide repeat region; plus strand), LOC109461477 (dystrophia myotonica protein kinase repeat instability region; plus strand). Cytogenetic location: 19q13.32.
Variant type: Microsatellite.
Coding change: c.*224CTG[197] on transcript NM_004409.5 (MANE Select); 197 copies in a row of the 3-base unit CTG starting at c.*224.
Molecular consequence: 3 prime UTR variant.
Genome position: GRCh38, VCF-style position (the base before the change): chr19:45,770,204. GRCh37 (hg19), VCF-style position (the base before the change): chr19:46,273,462.
Other names: DM1 CTG repeat expansion; c.*224CTG[197] (NM_001081560.3, NM_001288764.2, NM_001424165.1 and 1 more transcripts); c.*217CTG[197] (NM_001081562.3, NM_001288765.2, NM_001424162.1 and 2 more transcripts); c.*222_*224TGC[197] (NM_001081563.3); c.*369CTG[197] (NM_001288766.2, NM_001424164.1, NM_001424168.1).
Identifiers: ClinVar variation 187936 (VCV000187936.2), ClinGen allele CA915951732.